The following is an entry in ClinVar:

ClinVar aggregate classification (germline): Benign. Review status: criteria provided, multiple submitters, no conflicts (2 of 4 stars). 2 submissions from 2 submitters: Benign (2). Last evaluated 2025-11-04.

Conditions:
HTR1A-related disorder. Also called: HTR1A-related condition.

Allele frequency attached by ClinVar (database versions not stated): gnomAD 0.00077 and 0.00053; TOPMed 0.00094; ExAC 0.00165; gnomAD exomes 0.00181 and 0.00070; 1000 Genomes Project 30x 0.00531; 1000 Genomes Project 0.00559.

Submissions (2):

PreventionGenetics, part of Exact Sciences
Classification: Benign for HTR1A-related condition. Last evaluated: 2025-11-04. Review status: criteria provided, single submitter. Criteria: ACMG Guidelines, 2015. Collection method: clinical testing. Allele origin: germline.
Comment: This variant is classified as benign based on ACMG/AMP sequence variant interpretation guidelines (Richards et al. 2015 PMID: 25741868, with internal and published modifications).

Labcorp Genetics (formerly Invitae), Labcorp
Classification: Benign. Last evaluated: 2019-12-31. Review status: criteria provided, single submitter. Criteria: Invitae Variant Classification Sherloc (09022015). Collection method: clinical testing. Allele origin: germline.

NM_000524.4(HTR1A):c.47C>T (p.Pro16Leu)

Gene: HTR1A (5-hydroxytryptamine receptor 1A; minus strand). Cytogenetic location: 5q12.3.
Variant type: single nucleotide variant.
Coding change: c.47C>T on transcript NM_000524.4 (MANE Select); coding-DNA position 47, C replaced by T.
Protein change: p.Pro16Leu; replaces proline 16 with leucine.
Molecular consequence: missense variant.
Genome position (GRCh38, 1-based): chr5:63,961,673, G>A on the plus strand (C>T on the coding strand, the complement: HTR1A is on the minus strand). VCF-style: chr5-63961673-G-A. GRCh37 (hg19) VCF-style: chr5-63257500-G-A.
Other names: short protein forms P16L.
Identifiers: ClinVar variation 713219 (VCV000713219.5), dbSNP rs1800041, ClinGen allele CA3280988.
Genomic context (GRCh38, chr5:63,961,673, plus strand): 5'-TGGTAGCTGACGGTCACGTCGGAGATACCAGTAGTGTTGCCGCCGGTCTCAAAGGGAGCC[G>A]GTGGTGATGTGGTGTTGTTGCCCTGACCAGGGCTGAGCACATCCATGCCTGCGCGCCCGG-3'
Protein context (NP_000515.2, residues 6-26): PGQGNNTTSP[Pro16Leu]APFETGGNTT